The following is an entry in ClinVar:

ClinVar aggregate classification (germline): Likely benign (1 of 4 stars; one submission).

Allele frequency attached by ClinVar (database versions not stated): gnomAD 0.00001; gnomAD exomes 0.00001; TOPMed 0.00001; ExAC 0.00004.
gnomAD v4.1: 17 of 1,613,490 alleles (0.0011%); highest among the groups gnomAD compares: South Asian, 0.0044%; no homozygotes.

Submission:

CeGaT Center for Human Genetics Tuebingen
Classification: Likely benign. Last evaluated: 2022-12-01. Review status: criteria provided, single submitter. Criteria: CeGaT Center For Human Genetics Tuebingen Variant Classification Criteria Version 2. Collection method: clinical testing. Allele origin: germline. Affected: yes. Observed: 1 variant allele.
Comment: SMPD4: BP4, BP7

NM_017951.5(SMPD4):c.321C>T (p.Phe107=)

Gene: SMPD4 (sphingomyelin phosphodiesterase 4; minus strand). Cytogenetic location: 2q21.1.
Variant type: single nucleotide variant.
Coding change: c.321C>T on transcript NM_017951.5 (MANE Select); coding-DNA position 321, C replaced by T.
Protein change: p.Phe107=; no amino-acid change (phenylalanine 107 retained).
Molecular consequence: synonymous variant. On other transcripts: non-coding transcript variant (1), intron variant (1).
Genome position (GRCh38, 1-based): chr2:130,173,303, G>A on the plus strand (C>T on the coding strand, the complement: SMPD4 is on the minus strand). VCF-style: chr2-130173303-G-A. GRCh37 (hg19) VCF-style: chr2-130930876-G-A.
Other names: c.438C>T, p.Phe146= (NM_017751.4); c.244-408C>T (NM_001171083.2).
Identifiers: ClinVar variation 2651361 (VCV002651361.24), dbSNP rs779021938, ClinGen allele CA1870255.
Genomic context (GRCh38, chr2:130,173,303, plus strand): 5'-CCCCGAGCACCACTCTCGCCACTGTGGTTTACTTACAGGCAAGTAGGAGACAGGAAAGTC[G>A]AACTTATAGTCTTCAGCTTGAAGCTTATAAACCAACTTCATCATTGGGCCACTGAACACG-3'
Protein context (NP_060421.3, residues 97-117): VYKLQAEDYK[Phe107=]DFPVSYLPGP